The following is an entry in ClinVar:

NC_012920.1(MT-ND1):m.3701C>T

Gene: MT-ND1 (mitochondrially encoded NADH dehydrogenase 1; plus strand).
Variant type: single nucleotide variant.
Genome position: chrM-3701-C-T.
Identifiers: ClinVar variation 692387 (VCV000692387.1), dbSNP rs1603219086, ClinGen allele CA414773335.

ClinVar aggregate classification (germline): Uncertain significance (1 of 4 stars; one submission).

Conditions:
Leigh syndrome (NULS). Also called: Leigh's necrotizing encephalopathy; Leigh's disease; Leigh Syndrome (mtDNA deletion); Leigh Disease; Subacute necrotizing encephalopathy; Necrotizing encephalopathy infantile subacute of Leigh. Identifiers: Orphanet 506, MedGen C2931891, MONDO:0009723, OMIM 256000.

Submission:

Wong Mito Lab, Molecular and Human Genetics, Baylor College of Medicine
Classification: Uncertain significance for Leigh syndrome. Last evaluated: 2019-10-17. Review status: criteria provided, single submitter. Criteria: Modified ACMG Guidelines (Unpublished). Collection method: clinical testing. Allele origin: germline.
Comment: The NC_012920.1:m.3701C>T (YP_003024026.1:p.Ala132Val) variant in MTND1 gene is interpretated to be a Uncertain Significance variant based on the modified ACMG guidelines (unpublished). This variant meets the following evidence codes: PP6, PP7